The following is an entry in ClinVar:

ClinVar aggregate classification (germline): Likely benign. Review status: criteria provided, multiple submitters, no conflicts (2 of 4 stars). 2 submissions from 2 submitters: Likely benign (2). Last evaluated 2025-07-23.

Allele frequency attached by ClinVar (database versions not stated): gnomAD exomes 0.00002; ExAC 0.00005; ESP Exome Variant Server 0.00008; gnomAD 0.00010; TOPMed 0.00011; 1000 Genomes Project 30x 0.00016; 1000 Genomes Project 0.00020.

Submissions (2):

Labcorp Genetics (formerly Invitae), Labcorp
Classification: Likely benign. Last evaluated: 2025-07-23. Review status: criteria provided, single submitter. Criteria: Invitae Variant Classification Sherloc (09022015). Collection method: clinical testing. Allele origin: germline.

CeGaT Center for Human Genetics Tuebingen
Classification: Likely benign. Last evaluated: 2022-08-01. Review status: criteria provided, single submitter. Criteria: CeGaT Center For Human Genetics Tuebingen Variant Classification Criteria Version 2. Collection method: clinical testing. Allele origin: germline. Affected: yes. Observed: 1 variant allele.
Comment: ACE: BP4, BP7

NM_000789.4(ACE):c.3354C>T (p.His1118=)

Gene: ACE (angiotensin I converting enzyme; plus strand). Cytogenetic location: 17q23.3.
Variant type: single nucleotide variant.
Coding change: c.3354C>T on transcript NM_000789.4 (MANE Select); coding-DNA position 3354, C replaced by T.
Protein change: p.His1118=; no amino-acid change (histidine 1118 retained).
Molecular consequence: synonymous variant. On other transcripts: non-coding transcript variant (1).
Genome position (GRCh38, 1-based): chr17:63,494,444, C>T. VCF-style: chr17-63494444-C-T. GRCh37 (hg19) VCF-style: chr17-61571805-C-T.
Other names: c.1632C>T, p.His544= (NM_001178057.2, NM_152830.3); c.2787C>T, p.His929= (NM_001382700.1); c.2502C>T, p.His834= (NM_001382701.1); c.1092C>T, p.His364= (NM_001382702.1).
Identifiers: ClinVar variation 2200718 (VCV002200718.28), dbSNP rs192029734, ClinGen allele CA8700457.